The following is an entry in ClinVar:

NM_001031710.3(KLHL7):c.620T>G (p.Val207Gly)

Gene: KLHL7 (kelch like family member 7; plus strand). Cytogenetic location: 7p15.3.
Variant type: single nucleotide variant.
Coding change: c.620T>G on transcript NM_001031710.3 (MANE Select); coding-DNA position 620, T replaced by G.
Protein change: p.Val207Gly; replaces valine 207 with glycine.
Molecular consequence: missense variant. On other transcripts: non-coding transcript variant (1).
Genome position (GRCh38, 1-based): chr7:23,143,852, T>G. VCF-style: chr7-23143852-T-G. GRCh37 (hg19) VCF-style: chr7-23183471-T-G.
Other names: c.476T>G, p.Val159Gly (NM_018846.5); short protein forms V159G, V207G.
Identifiers: ClinVar variation 2179800 (VCV002179800.4), dbSNP rs2534869587, ClinGen allele CA366977388.

ClinVar aggregate classification (germline): Uncertain significance (1 of 4 stars; one submission).

Submission:

Labcorp Genetics (formerly Invitae), Labcorp
Classification: Uncertain significance. Last evaluated: 2024-04-18. Review status: criteria provided, single submitter. Criteria: Invitae Variant Classification Sherloc (09022015). Collection method: clinical testing. Allele origin: germline.
Comment: This sequence change replaces valine, which is neutral and non-polar, with glycine, which is neutral and non-polar, at codon 207 of the KLHL7 protein (p.Val207Gly). This variant is not present in population databases (gnomAD no frequency). This variant has not been reported in the literature in individuals affected with KLHL7-related conditions. ClinVar contains an entry for this variant (Variation ID: 2179800). An algorithm developed to predict the effect of missense changes on protein structure and function (PolyPhen-2) suggests that this variant is likely to be disruptive. In summary, the available evidence is currently insufficient to determine the role of this variant in disease. Therefore, it has been classified as a Variant of Uncertain Significance.